The following is an entry in ClinVar:

ClinVar aggregate classification (germline): Pathogenic (1 of 4 stars; one submission).

Conditions:
Cardiovascular phenotype. Identifiers: MedGen CN230736.

Submission:

Ambry Genetics
Classification: Pathogenic for Cardiovascular phenotype. Last evaluated: 2024-09-26. Review status: criteria provided, single submitter. Criteria: Ambry Variant Classification Scheme 2023. Collection method: clinical testing. Allele origin: germline.
Comment: The c.230delG pathogenic mutation, located in coding exon 2 of the MYBPC3 gene, results from a deletion of 1 nucleotide at nucleotide position 230, causing a translational frameshift with a predicted alternate stop codon (p.G77Dfs*19). This variant has been reported in a hypertrophic cardiomyopathy cohort (Millat G et al. Eur J Med Genet Jul;53:261-7). This variant is considered to be rare based on population cohorts in the Genome Aggregation Database (gnomAD). This alteration is expected to result in loss of function by premature protein truncation or nonsense-mediated mRNA decay. As such, this alteration is interpreted as a disease-causing mutation.

Literature cited by the submitters: PubMed 20624503.

NM_000256.3(MYBPC3):c.230del (p.Gly77fs)

Gene: MYBPC3 (myosin binding protein C3; minus strand). Cytogenetic location: 11p11.2.
Variant type: Deletion.
Coding change: c.230del on transcript NM_000256.3 (MANE Select); coding-DNA position 230, one base deleted (G; older notation c.230delG).
Protein change: p.Gly77fs; shifts the reading frame from glycine 77.
Molecular consequence: frameshift variant.
Genome position (GRCh38, 1-based): chr11:47,351,301, C deleted on the plus strand (G on the coding strand, the reverse complement: MYBPC3 is on the minus strand); the first of 3 consecutive C bases (chr11:47,351,301-47,351,303); deleting any one gives the same sequence. VCF-style (leftmost placement, unchanged base first): chr11-47351300-TC-T. GRCh37 (hg19) VCF-style: chr11-47372851-TC-T.
Other names: c.230delG (NM_000256.3); short protein forms G77fs.
Identifiers: ClinVar variation 1789414 (VCV001789414.3), dbSNP rs2495785913, ClinGen allele CA2580084274.